The following is an entry in ClinVar:

ClinVar aggregate classification (germline): Pathogenic (1 of 4 stars; one submission).

Conditions:
Epilepsy, familial focal, with variable foci 3 (FFEVF3). Identifiers: MedGen C4310708, MONDO:0014925, OMIM 617118.

Submission:

Labcorp Genetics (formerly Invitae), Labcorp
Classification: Pathogenic for Epilepsy, familial focal, with variable foci 3. Last evaluated: 2018-10-04. Review status: criteria provided, single submitter. Criteria: Invitae Variant Classification Sherloc (09022015). Collection method: clinical testing. Allele origin: germline.
Comment: For these reasons, this variant has been classified as Pathogenic. Loss-of-function variants in NPRL3 are known to be pathogenic (PMID: 26285051, 26505888). This variant has not been reported in the literature in individuals with NPRL3-related disease. This variant is not present in population databases (ExAC no frequency). This sequence change creates a premature translational stop signal (p.Glu166*) in the NPRL3 gene. It is expected to result in an absent or disrupted protein product.

Literature cited by the submitters: PubMed 26285051; PubMed 26505888.

NM_001077350.3(NPRL3):c.496G>T (p.Glu166Ter)

Genes: HBA-LCR (alpha-globin locus control region; plus strand), NPRL3 (NPR3 like, GATOR1 complex subunit; minus strand). Cytogenetic location: 16p13.3.
Variant type: single nucleotide variant.
Coding change: c.496G>T on transcript NM_001077350.3 (MANE Select); coding-DNA position 496, G replaced by T.
Protein change: p.Glu166Ter; replaces glutamic acid 166 with a stop codon.
Molecular consequence: nonsense. On other transcripts: 5 prime UTR variant (1).
Genome position (GRCh38, 1-based): chr16:112,673, C>A on the plus strand (G>T on the coding strand, the complement: NPRL3 is on the minus strand). VCF-style: chr16-112673-C-A. GRCh37 (hg19) VCF-style: chr16-162672-C-A.
Other names: c.-42G>T (NM_001039476.3); c.262G>T, p.Glu88Ter (NM_001243247.2); c.421G>T, p.Glu141Ter (NM_001243248.2, NM_001243249.2); short protein forms E166*, E88*, E141*.
Identifiers: ClinVar variation 643442 (VCV000643442.6), dbSNP rs1596522300, ClinGen allele CA393993787.
Genomic context (GRCh38, chr16:112,673, plus strand): 5'-TGCACTCACCATCAGCCATGGCGGACACCTCATCCTGGAGCGCCAGGATCAGCTTGGCCT[C>A]CCGGGTGAGGTACTGGCAGCGGCGCTCCTCGTGCTGCAGCACGGTGGCGATACGACGGGA-3'